The following is an entry in ClinVar:

ClinVar aggregate classification (germline): Uncertain significance (1 of 4 stars; one submission).

Conditions:
Neuropathy, hereditary sensory and autonomic, type 2A (HSAN2A). Also called: MORVAN DISEASE; NEUROPATHY, CONGENITAL SENSORY; NEUROPATHY, HEREDITARY SENSORY RADICULAR, AUTOSOMAL RECESSIVE; NEUROPATHY, HEREDITARY SENSORY, TYPE IIA; NEUROPATHY, PROGRESSIVE SENSORY, OF CHILDREN; WNK1-Related HSAN2 (HSAN2A). Identifiers: Orphanet 970, MedGen C2752089, MONDO:0024309, OMIM 201300.
Pseudohypoaldosteronism type 2C (PHA2C). Also called: Pseudohypoaldosteronism Type IIC. Identifiers: Orphanet 757, Orphanet 88940, MedGen C1840391, MONDO:0013778, OMIM 614492.

Allele frequency attached by ClinVar (database versions not stated): gnomAD exomes below 0.00001; TOPMed 0.00001.
gnomAD v4.1: 10 of 1,592,548 alleles (0.00063%); highest among the groups gnomAD compares: Non-Finnish European, 0.00086%; no homozygotes.

Submission:

Labcorp Genetics (formerly Invitae), Labcorp
Classification: Uncertain significance for Neuropathy, hereditary sensory and autonomic, type 2A; Pseudohypoaldosteronism type 2C. Last evaluated: 2025-09-15. Review status: criteria provided, single submitter. Criteria: Invitae Variant Classification Sherloc (09022015). Collection method: clinical testing. Allele origin: germline.
Comment: This sequence change replaces lysine, which is basic and polar, with arginine, which is basic and polar, at codon 2337 of the WNK1 protein (p.Lys2337Arg). This variant is present in population databases (no rsID available, gnomAD 0.0009%). This variant has not been reported in the literature in individuals affected with WNK1-related conditions. ClinVar contains an entry for this variant (Variation ID: 946991). Invitae Evidence Modeling of protein sequence and biophysical properties (such as structural, functional, and spatial information, amino acid conservation, physicochemical variation, residue mobility, and thermodynamic stability) indicates that this missense variant is not expected to disrupt WNK1 protein function with a negative predictive value of 95%. In summary, the available evidence is currently insufficient to determine the role of this variant in disease. Therefore, it has been classified as a Variant of Uncertain Significance.

NM_018979.4(WNK1):c.6254A>G (p.Lys2085Arg)

Gene: WNK1 (WNK lysine deficient protein kinase 1; plus strand). Cytogenetic location: 12p13.33.
Variant type: single nucleotide variant.
Coding change: c.6254A>G on transcript NM_018979.4 (MANE Select); coding-DNA position 6254, A replaced by G.
Protein change: p.Lys2085Arg; replaces lysine 2085 with arginine.
Molecular consequence: missense variant.
Genome position (GRCh38, 1-based): chr12:897,487, A>G. VCF-style: chr12-897487-A-G. GRCh37 (hg19) VCF-style: chr12-1006653-A-G.
Other names: c.7034A>G, p.Lys2345Arg (NM_001184985.2); c.5510A>G, p.Lys1837Arg (NM_014823.3); c.7010A>G, p.Lys2337Arg (NM_213655.5); short protein forms K2345R, K1837R, K2085R, K2337R.
Identifiers: ClinVar variation 946991 (VCV000946991.8), dbSNP rs1238009725, ClinGen allele CA383337028.